The following is an entry in ClinVar:

ClinVar aggregate classification (germline): Uncertain significance. Review status: criteria provided, multiple submitters, no conflicts (2 of 4 stars). 4 submissions from 4 submitters: Uncertain significance (4). Last evaluated 2025-09-16.

Conditions:
Cardiovascular phenotype. Identifiers: MedGen CN230736.
Hereditary cancer-predisposing syndrome. Also called: Neoplastic Syndromes, Hereditary; Hereditary neoplastic syndrome; Hereditary Cancer Syndrome; Tumor predisposition. Identifiers: Orphanet 140162, MedGen C0027672, MeSH D009386, MONDO:0015356.
Juvenile myelomonocytic leukemia (JMML). Also called: LEUKEMIA, JUVENILE MYELOMONOCYTIC, SOMATIC. Identifiers: Orphanet 86834, MedGen C0349639, MONDO:0011908, OMIM 607785, HP:0012209.
Neurofibromatosis, type 1 (NF1). Also called: VON RECKLINGHAUSEN DISEASE; NEUROFIBROMATOSIS, TYPE I, SOMATIC; Peripheral type neurofibromatosis; Neurofibromatosis, type I. Identifiers: Orphanet 636, MedGen C0027831, MONDO:0018975, OMIM 162200. Disease mechanism: loss of function.

Allele frequency attached by ClinVar (database versions not stated): gnomAD exomes below 0.00001.
gnomAD v4.1: 1 of 1,613,232 alleles (0.000062%); highest among the groups gnomAD compares: South Asian, 0.0011%; no homozygotes.

Submissions (4):

Labcorp Genetics (formerly Invitae), Labcorp
Classification: Uncertain significance for Neurofibromatosis, type 1. Last evaluated: 2025-09-16. Review status: criteria provided, single submitter. Criteria: Invitae Variant Classification Sherloc (09022015). Collection method: clinical testing. Allele origin: germline.
Comment: This sequence change replaces methionine, which is neutral and non-polar, with isoleucine, which is neutral and non-polar, at codon 667 of the NF1 protein (p.Met667Ile). This variant also falls at the last nucleotide of exon 17, which is part of the consensus splice site for this exon. This variant is not present in population databases (gnomAD no frequency). This variant has not been reported in the literature in individuals affected with NF1-related conditions. ClinVar contains an entry for this variant (Variation ID: 657759). An algorithm developed to predict the effect of missense changes on protein structure and function (PolyPhen-2) suggests that this variant is likely to be tolerated. Variants that disrupt the consensus splice site are a relatively common cause of aberrant splicing (PMID: 17576681, 9536098). Algorithms developed to predict the effect of sequence changes on RNA splicing suggest that this variant may disrupt the consensus splice site. In summary, the available evidence is currently insufficient to determine the role of this variant in disease. Therefore, it has been classified as a Variant of Uncertain Significance.

GeneDx
Classification: Uncertain significance. Last evaluated: 2024-12-03. Review status: criteria provided, single submitter. Criteria: GeneDx Variant Classification Process June 2021. Collection method: clinical testing. Allele origin: germline. Affected: yes.
Comment: Not observed at significant frequency in large population cohorts (gnomAD); In silico analysis supports a deleterious effect on splicing; In silico analysis indicates that this missense variant does not alter protein structure/function; Has not been previously published as pathogenic or benign to our knowledge; This variant is associated with the following publications: (PMID: 25486365)

Baylor Genetics
Classification: Uncertain significance for Juvenile myelomonocytic leukemia. Last evaluated: 2023-12-30. Review status: criteria provided, single submitter. Criteria: ACMG Guidelines, 2015. Collection method: clinical testing. Allele origin: unknown.

Ambry Genetics
Classification: Uncertain significance for Cardiovascular phenotype; Hereditary cancer-predisposing syndrome. Last evaluated: 2023-02-17. Review status: criteria provided, single submitter. Criteria: Ambry Variant Classification Scheme 2023. Collection method: clinical testing. Allele origin: germline.
Comment: The c.2001G>A variant (also known as p.M667I), located in coding exon 17 of the NF1 gene, results from a G to A substitution at nucleotide position 2001. The amino acid change results in methionine to isoleucine at codon 667, an amino acid with highly similar properties. However, this change occurs in the last base pair of coding exon 17, which makes it likely to have some effect on normal mRNA splicing. This nucleotide position is well conserved in available vertebrate species. In silico splice site analysis predicts that this alteration will weaken the native splice donor site; however, direct evidence is insufficient at this time (Ambry internal data). Since supporting evidence is limited at this time, the clinical significance of this alteration remains unclear.

Literature cited by the submitters: PubMed 17576681 (cited by Labcorp Genetics (formerly Invitae), Labcorp); PubMed 9536098 (cited by Labcorp Genetics (formerly Invitae), Labcorp).

NM_001042492.3(NF1):c.2001G>A (p.Met667Ile)

Gene: NF1 (neurofibromin 1; plus strand). Cytogenetic location: 17q11.2.
Variant type: single nucleotide variant.
Coding change: c.2001G>A on transcript NM_001042492.3 (MANE Select); coding-DNA position 2001, G replaced by A.
Protein change: p.Met667Ile; replaces methionine 667 with isoleucine.
Molecular consequence: missense variant.
Genome position (GRCh38, 1-based): chr17:31,225,250, G>A. VCF-style: chr17-31225250-G-A. GRCh37 (hg19) VCF-style: chr17-29552268-G-A.
Other names: c.2001G>A, p.Met667Ile (NM_000267.4); short protein forms M667I.
Identifiers: ClinVar variation 657759 (VCV000657759.8), dbSNP rs1597710853, ClinGen allele CA399005646.